The following is an entry in ClinVar:

NM_022168.4(IFIH1):c.1642-1G>A

Gene: IFIH1 (interferon induced with helicase C domain 1; minus strand). Cytogenetic location: 2q24.2.
Variant type: single nucleotide variant.
Coding change: c.1642-1G>A on transcript NM_022168.4 (MANE Select); the canonical splice acceptor site of the intron before coding-DNA position 1642, G replaced by A.
Molecular consequence: splice acceptor variant.
Genome position (GRCh38, 1-based): chr2:162,278,329, C>T on the plus strand (G>A on the coding strand, the complement: IFIH1 is on the minus strand). VCF-style: chr2-162278329-C-T. GRCh37 (hg19) VCF-style: chr2-163134839-C-T.
Identifiers: ClinVar variation 956373 (VCV000956373.8), dbSNP rs1682743875, ClinGen allele CA349000327.
Genomic context (GRCh38, chr2:162,278,329, plus strand): 5'-CATTTGACAATAAGTTTGAATCCTTGTCATTATTTCTAGAAGTTTCTCTTTAAATGGATC[C>T]TAAAAATAAAGTACACACTTATTCTTATGTATTCTTATTGTTAAAGGAATAACATTATCT-3'

ClinVar aggregate classification (germline): Uncertain significance (1 of 4 stars; one submission).

Conditions:
Aicardi-Goutieres syndrome 7 (AGS7). Identifiers: Orphanet 51, MedGen C3888244, MONDO:0014367, OMIM 615846.
Singleton-Merten syndrome 1 (SGMRT1). Also called: Widened medullary cavities of bone, aortic calcification, abnormal dentition, and muscular weakness; Syndrome of widened medullary cavities of the metacarpals and phalanges, aortic calcification and abnormal dentition. Identifiers: Orphanet 85191, MedGen C4225427, MONDO:0024535, OMIM 182250.

Submission:

Labcorp Genetics (formerly Invitae), Labcorp
Classification: Uncertain significance for Aicardi-Goutieres syndrome 7; Singleton-Merten syndrome 1. Last evaluated: 2025-09-16. Review status: criteria provided, single submitter. Criteria: Invitae Variant Classification Sherloc (09022015). Collection method: clinical testing. Allele origin: germline.
Comment: This sequence change affects an acceptor splice site in intron 8 of the IFIH1 gene. It is expected to disrupt RNA splicing. Variants that disrupt the donor or acceptor splice site typically lead to a loss of protein function (PMID: 16199547), however the current clinical and genetic evidence is not sufficient to establish whether loss-of-function variants in IFIH1 cause disease. This variant is not present in population databases (gnomAD no frequency). This variant has not been reported in the literature in individuals affected with IFIH1-related conditions. ClinVar contains an entry for this variant (Variation ID: 956373). Algorithms developed to predict the effect of sequence changes on RNA splicing suggest that this variant may disrupt the consensus splice site. In summary, the available evidence is currently insufficient to determine the role of this variant in disease. Therefore, it has been classified as a Variant of Uncertain Significance.

Literature cited by the submitters: PubMed 16199547.